The following is an entry in ClinVar:

NM_001399.5(EDA):c.494G>C (p.Gly165Ala)

Gene: EDA (ectodysplasin A; plus strand). Cytogenetic location: Xq13.1.
Variant type: single nucleotide variant.
Coding change: c.494G>C on transcript NM_001399.5 (MANE Select); coding-DNA position 494, G replaced by C.
Protein change: p.Gly165Ala; replaces glycine 165 with alanine.
Molecular consequence: missense variant.
Genome position (GRCh38, 1-based): chrX:69,957,124, G>C. VCF-style: chrX-69957124-G-C. GRCh37 (hg19) VCF-style: chrX-69176974-G-C.
Other names: c.494G>C, p.Gly165Ala (NM_001005609.2, NM_001005612.3); short protein forms G165A.
Identifiers: ClinVar variation 381658 (VCV000381658.13), dbSNP rs1057521131, ClinGen allele CA16609205.
Genomic context (GRCh38, chrX:69,957,124, plus strand): 5'-CATACTCTGAAGAAGAAAGTAGGCGTGTTCGCCGCAATAAAAGAAGCAAAAGCAATGAAG[G>C]AGCAGATGGTAAGTCTACTCAGTTGATCCTTTATCACTTCTGAATTATTTGTTAGTAAAA-3'
Protein context (NP_001390.1, residues 155-175): RRNKRSKSNE[Gly165Ala]ADGPVKNKKK

ClinVar aggregate classification (germline): Pathogenic/Likely pathogenic. Review status: criteria provided, multiple submitters, no conflicts (2 of 4 stars). 3 submissions from 3 submitters: Pathogenic (1); Likely pathogenic (2). Last evaluated 2026-09-29.

Conditions:
EDA-related disorder. Also called: EDA-related disorders; EDA-related condition.
Hypohidrotic X-linked ectodermal dysplasia (XHED). Also called: ECTODERMAL DYSPLASIA, HYPOHIDROTIC, 1; CST SYNDROME; ECTODERMAL DYSPLASIA 1, HYPOHIDROTIC/HAIR/TOOTH TYPE, X-LINKED; Anhidrotic ectodermal dysplasia X-linked; Christ Siemens Touraine syndrome; ECTODERMAL DYSPLASIA 1, HYPOHIDROTIC, X-LINKED. Identifiers: Orphanet 181, Orphanet 238468, MedGen C0162359, MONDO:0010585, OMIM 305100.

Submissions (3):

GeneDx
Classification: Likely pathogenic. Last evaluated: 2026-09-29. Review status: criteria provided, single submitter. Criteria: GeneDx Variant Classification Process June 2021. Collection method: clinical testing. Allele origin: germline.
Comment: Not observed at significant frequency in large population cohorts (gnomAD); Missense variants in this gene are a common cause of disease and they are underrepresented in the general population; In silico analysis supports that this missense variant has a deleterious effect on protein structure/function; This variant is associated with the following publications: (PMID: 19623212, 19504606)

PreventionGenetics, part of Exact Sciences
Classification: Likely pathogenic for EDA-related condition. Last evaluated: 2026-09-17. Review status: criteria provided, single submitter. Criteria: ACMG Guidelines, 2015. Collection method: clinical testing. Allele origin: germline.
Comment: The EDA c.494G>C variant is predicted to result in the amino acid substitution p.Gly165Ala. This variant was reported in two families affected with selected tooth agenesis (Mues et al. 2009. PubMed ID: 19504606). At PreventionGenetics, this variant has been reported in the hemizygous state in unrelated individuals undergoing testing for ectodermal dyplasia and/or tooth agenesis (Internal Data). This variant has not been reported in a large population database (gnomAD), indicating this variant is rare. This variant is interpreted as likely pathogenic.

Labcorp Genetics (formerly Invitae), Labcorp
Classification: Pathogenic for Hypohidrotic X-linked ectodermal dysplasia. Last evaluated: 2022-11-29. Review status: criteria provided, single submitter. Criteria: Invitae Variant Classification Sherloc (09022015). Collection method: clinical testing. Allele origin: germline.
Comment: For these reasons, this variant has been classified as Pathogenic. Advanced modeling of protein sequence and biophysical properties (such as structural, functional, and spatial information, amino acid conservation, physicochemical variation, residue mobility, and thermodynamic stability) performed at Invitae indicates that this missense variant is expected to disrupt EDA protein function. ClinVar contains an entry for this variant (Variation ID: 381658). This missense change has been observed in individuals with clinical features of ectodermal dysplasia (PMID: 19504606; Invitae). It has also been observed to segregate with disease in related individuals. This variant is not present in population databases (gnomAD no frequency). This sequence change replaces glycine, which is neutral and non-polar, with alanine, which is neutral and non-polar, at codon 165 of the EDA protein (p.Gly165Ala).

Literature cited by the submitters: PubMed 19504606 (cited by Labcorp Genetics (formerly Invitae), Labcorp).